The following is an entry in ClinVar:

NM_001379451.1(BCORL1):c.2224C>T (p.Pro742Ser)

Gene: BCORL1 (BCL6 corepressor like 1; plus strand). Cytogenetic location: Xq26.1.
Variant type: single nucleotide variant.
Coding change: c.2224C>T on transcript NM_001379451.1 (MANE Select); coding-DNA position 2224, C replaced by T.
Protein change: p.Pro742Ser; replaces proline 742 with serine.
Molecular consequence: missense variant.
Genome position (GRCh38, 1-based): chrX:130,014,996, C>T. VCF-style: chrX-130014996-C-T. GRCh37 (hg19) VCF-style: chrX-129148972-C-T.
Other names: c.2224C>T, p.Pro742Ser (NM_001184772.3, NM_001379450.1, NM_021946.5); short protein forms P742S.
Identifiers: ClinVar variation 3368643 (VCV003368643.1).

ClinVar aggregate classification (germline): Uncertain significance (1 of 4 stars; one submission).

gnomAD v4.1: 2 of 1,211,810 alleles (0.00017%); highest among the groups gnomAD compares: Non-Finnish European, 0.00022%; no homozygotes.

Submission:

GeneDx
Classification: Uncertain significance. Last evaluated: 2024-01-31. Review status: criteria provided, single submitter. Criteria: GeneDx Variant Classification Process June 2021. Collection method: clinical testing. Allele origin: germline. Affected: yes.
Comment: Not observed at significant frequency in large population cohorts (gnomAD); In silico analysis supports that this missense variant does not alter protein structure/function; Has not been previously published as pathogenic or benign to our knowledge